The following is an entry in ClinVar:

ClinVar aggregate classification (germline): Conflicting classifications of pathogenicity. Review status: criteria provided, conflicting classifications (1 of 4 stars). 5 submissions from 5 submitters: Uncertain significance (1); Benign (1); Likely benign (3). Last evaluated 2025-08-25.

Conditions:
Hereditary cancer-predisposing syndrome. Also called: Hereditary Cancer Syndrome; Neoplastic Syndromes, Hereditary; Tumor predisposition; Hereditary neoplastic syndrome. Identifiers: Orphanet 140162, MedGen C0027672, MeSH D009386, MONDO:0015356.
Fanconi anemia complementation group O. Also called: RAD51C-Related Fanconi Anemia. Identifiers: Orphanet 84, MedGen C3150653, MONDO:0013248, OMIM 613390.
Breast-ovarian cancer, familial, susceptibility to, 3. Also called: RAD51C-Related Breast/Ovarian Cancer. Identifiers: Orphanet 145, MedGen C3150659, MONDO:0013253, OMIM 613399.

gnomAD v4.1: 1 of 1,613,428 alleles (0.000062%); highest among the groups gnomAD compares: African/African-American, 0.0013%; no homozygotes.

Submissions (5):

Labcorp Genetics (formerly Invitae), Labcorp
Classification: Likely benign for Fanconi anemia complementation group O. Last evaluated: 2025-08-25. Review status: criteria provided, single submitter. Criteria: Invitae Variant Classification Sherloc (09022015). Collection method: clinical testing. Allele origin: germline.

Myriad Genetics, Inc.
Classification: Benign for Breast-ovarian cancer, familial, susceptibility to, 3. Last evaluated: 2025-02-19. Review status: criteria provided, single submitter. Criteria: Myriad Autosomal Dominant, Autosomal Recessive and X-Linked Classification Criteria (2023). Collection method: clinical testing. Allele origin: unknown.
Comment: This variant is considered benign. This variant is a silent/synonymous amino acid change and it is not expected to impact splicing.

Quest Diagnostics Nichols Institute San Juan Capistrano
Classification: Uncertain significance. Last evaluated: 2022-09-09. Review status: criteria provided, single submitter. Criteria: Quest Diagnostics criteria. Collection method: clinical testing. Allele origin: unknown.
Comment: To the best of our knowledge, the variant has not been reported in the published literature. It also has not been reported in large, multi-ethnic general populations. Analysis of this variant using software algorithms for the prediction of the effect of nucleotide changes on splicing yielded predictions that this variant does not affect RAD51C mRNA splicing . Based on the available information, we are unable to determine the clinical significance of this variant.

Color Diagnostics, LLC DBA Color Health
Classification: Likely benign for Hereditary cancer-predisposing syndrome. Last evaluated: 2019-07-08. Review status: criteria provided, single submitter. Criteria: ACMG Guidelines, 2015. Collection method: clinical testing. Allele origin: germline.

Ambry Genetics
Classification: Likely benign for Hereditary cancer-predisposing syndrome. Last evaluated: 2015-05-06. Review status: criteria provided, single submitter. Criteria: Ambry Variant Classification Scheme 2023. Collection method: clinical testing. Allele origin: germline.

NM_058216.3(RAD51C):c.987A>T (p.Ser329=)

Gene: RAD51C (RAD51 paralog C; plus strand). Cytogenetic location: 17q22.
Variant type: single nucleotide variant.
Coding change: c.987A>T on transcript NM_058216.3 (MANE Select); coding-DNA position 987, A replaced by T.
Protein change: p.Ser329=; no amino-acid change (serine 329 retained).
Molecular consequence: synonymous variant. On other transcripts: non-coding transcript variant (1).
Genome position (GRCh38, 1-based): chr17:58,732,505, A>T. VCF-style: chr17-58732505-A-T. GRCh37 (hg19) VCF-style: chr17-56809866-A-T.
Identifiers: ClinVar variation 231694 (VCV000231694.18), dbSNP rs876659303, ClinGen allele CA10580764.